The following is an entry in ClinVar:

ClinVar aggregate classification (germline): Benign/Likely benign. Review status: criteria provided, multiple submitters, no conflicts (2 of 4 stars). 6 submissions from 6 submitters: Benign (3); Likely benign (2). 1 of the submissions does not count toward it. Last evaluated 2025-11-24.

Conditions:
Inborn genetic diseases. Identifiers: MedGen C0950123, MeSH D030342.
SMARCA2-related disorder. Also called: SMARCA2-related condition.
Nicolaides-Baraitser syndrome (NCBRS). Also called: SMARCA2-Related Nicolaides-Baraitser Syndrome; Intellectual disability-sparse hair-brachydactyly syndrome. Identifiers: Orphanet 3051, MedGen C1303073, MONDO:0011053, OMIM 601358.

Allele frequency attached by ClinVar (database versions not stated): TOPMed 0.00002; gnomAD 0.00003 and 0.00022; 1000 Genomes Project 30x 0.00094; 1000 Genomes Project 0.00100.
gnomAD v4.1: 643 of 1,555,428 alleles (0.041%); highest among the groups gnomAD compares: South Asian, 0.69%; 11 homozygotes.

Submissions (6):

Labcorp Genetics (formerly Invitae), Labcorp
Classification: Benign. Last evaluated: 2025-11-24. Review status: criteria provided, single submitter. Criteria: Invitae Variant Classification Sherloc (09022015). Collection method: clinical testing. Allele origin: germline.

Blueprint Genetics
Classification: Likely benign. Last evaluated: 2024-11-19. Review status: criteria provided, single submitter. Criteria: ACMG Guidelines, 2015. Collection method: clinical testing. Allele origin: germline.

GeneDx
Classification: Benign. Last evaluated: 2021-04-25. Review status: criteria provided, single submitter. Criteria: GeneDx Variant Classification Process June 2021. Collection method: clinical testing. Allele origin: germline. Affected: yes.

Illumina Laboratory Services, Illumina
Classification: Benign for Nicolaides-Baraitser syndrome. Last evaluated: 2018-01-12. Review status: criteria provided, single submitter. Criteria: ICSL Variant Classification Criteria 13 December 2019. Collection method: clinical testing. Allele origin: germline.
Comment: This variant was observed in the ICSL laboratory as part of a predisposition screen in an ostensibly healthy population. It had not been previously curated by ICSL or reported in the Human Gene Mutation Database (HGMD: prior to June 1st, 2018), and was therefore a candidate for classification through an automated scoring system. Utilizing variant allele frequency, disease prevalence and penetrance estimates, and inheritance mode, an automated score was calculated to assess if this variant is too frequent to cause the disease. Based on the score and internal cut-off values, a variant classified as benign is not then subjected to further curation. The score for this variant resulted in a classification of benign for this disease.

Ambry Genetics
Classification: Likely benign for Inborn genetic diseases. Last evaluated: 2017-06-09. Review status: criteria provided, single submitter. Criteria: Ambry Variant Classification Scheme 2023. Collection method: clinical testing. Allele origin: germline.

PreventionGenetics, part of Exact Sciences
Classification: Likely benign for SMARCA2-related condition. Last evaluated: 2019-03-14. Review status: no assertion criteria provided. Collection method: clinical testing. Allele origin: germline. Not counted in ClinVar's aggregate classification.
Comment: This variant is classified as likely benign based on ACMG/AMP sequence variant interpretation guidelines (Richards et al. 2015 PMID: 25741868, with internal and published modifications).

NM_003070.5(SMARCA2):c.4257A>C (p.Ser1419=)

Gene: SMARCA2 (SWI/SNF related BAF chromatin remodeling complex subunit ATPase 2; plus strand). Cytogenetic location: 9p24.3.
Variant type: single nucleotide variant.
Coding change: c.4257A>C on transcript NM_003070.5 (MANE Select); coding-DNA position 4257, A replaced by C.
Protein change: p.Ser1419=; no amino-acid change (serine 1419 retained).
Molecular consequence: synonymous variant.
Genome position (GRCh38, 1-based): chr9:2,181,574, A>C. VCF-style: chr9-2181574-A-C. GRCh37 (hg19) VCF-style: chr9-2181574-A-C.
Other names: c.4257A>C, p.Ser1419= (NM_001289396.2); c.4029A>C, p.Ser1343= (NM_001289397.2); c.231A>C, p.Ser77= (NM_001289398.2); c.315A>C, p.Ser105= (NM_001289399.2); c.321A>C, p.Ser107= (NM_001289400.2); c.4203A>C, p.Ser1401= (NM_139045.4).
Identifiers: ClinVar variation 366236 (VCV000366236.22), dbSNP rs547998868, ClinGen allele CA4964120.